The following is an entry in ClinVar:

ClinVar aggregate classification (germline): Pathogenic (1 of 4 stars; one submission).

Submission:

Ambry Genetics
Classification: Pathogenic. Last evaluated: 2025-10-20. Review status: criteria provided, single submitter. Criteria: Ambry Variant Classification Scheme 2023. Collection method: clinical testing. Allele origin: germline.
Comment: The c.2095_2096delGGinsTGC (p.G699Cfs*34) alteration, located in exon 2 (coding exon 1) of the ZFHX3 gene, consists of an deletion of 2 and insertion of 3 nucleotides causing a translational frameshift at position 2095 with a predicted alternate stop codon after 34 amino acids. This alteration is expected to result in loss of function by premature protein truncation or nonsense-mediated mRNA decay. This variant was not reported in population-based cohorts in the Genome Aggregation Database (gnomAD). Based on the available evidence, this alteration is classified as pathogenic.

NM_006885.4(ZFHX3):c.2095_2096delinsTGC (p.Gly699fs)

Gene: ZFHX3 (zinc finger homeobox 3; minus strand). Cytogenetic location: 16q22.3.
Variant type: Indel.
Coding change: c.2095_2096delinsTGC on transcript NM_006885.4 (MANE Select); coding-DNA positions 2095 to 2096, GG replaced by TGC.
Protein change: p.Gly699fs; shifts the reading frame from glycine 699.
Molecular consequence: frameshift variant. On other transcripts: intron variant (1).
Genome position (GRCh38, 1-based): chr16:72,958,050-72,958,051, CC replaced by GCA on the plus strand (GG replaced by TGC on the coding strand, the reverse complement: ZFHX3 is on the minus strand). VCF-style: chr16-72958050-CC-GCA. GRCh37 (hg19) VCF-style: chr16-72991949-CC-GCA.
Other names: c.2095_2096delinsTGC, p.Gly699fs (NM_001386735.1); c.-23-7086_-23-7085delinsTGC (NM_001164766.2); short protein forms G699fs.
Identifiers: ClinVar variation 4607413 (VCV004607413.1).